The following is an entry in ClinVar:

NM_001042492.3(NF1):c.3892del (p.Gln1298fs)

Gene: NF1 (neurofibromin 1; plus strand). Cytogenetic location: 17q11.2.
Variant type: Deletion.
Coding change: c.3892del on transcript NM_001042492.3 (MANE Select); coding-DNA position 3892, one base deleted (C; older notation c.3892delC).
Protein change: p.Gln1298fs; shifts the reading frame from glutamine 1298.
Molecular consequence: frameshift variant.
Genome position (GRCh38, 1-based): chr17:31,235,939, C deleted. VCF-style (leftmost placement, unchanged base first): chr17-31235938-AC-A. GRCh37 (hg19) VCF-style: chr17-29562956-AC-A.
Other names: c.3892delC, p.Gln1298Lysfs (NM_000267.4); c.3892delC (NM_000267.3); short protein forms Q1298fs.
Identifiers: ClinVar variation 1394733 (VCV001394733.7), dbSNP rs2151438543, ClinGen allele CA2573153292.

ClinVar aggregate classification (germline): Pathogenic. Review status: criteria provided, multiple submitters, no conflicts (2 of 4 stars). 2 submissions from 2 submitters: Pathogenic (2). Last evaluated 2026-08-28.

Conditions:
Hereditary cancer-predisposing syndrome. Also called: Hereditary Cancer Syndrome; Neoplastic Syndromes, Hereditary; Hereditary neoplastic syndrome; Tumor predisposition. Identifiers: Orphanet 140162, MedGen C0027672, MeSH D009386, MONDO:0015356.
Cardiovascular phenotype. Identifiers: MedGen CN230736.
Neurofibromatosis, type 1 (NF1). Also called: Peripheral type neurofibromatosis; VON RECKLINGHAUSEN DISEASE; NEUROFIBROMATOSIS, TYPE I, SOMATIC; Neurofibromatosis, type I. Identifiers: Orphanet 636, MedGen C0027831, MONDO:0018975, OMIM 162200. Disease mechanism: loss of function.

Submissions (2):

Ambry Genetics
Classification: Pathogenic for Cardiovascular phenotype; Hereditary cancer-predisposing syndrome. Last evaluated: 2026-08-28. Review status: criteria provided, single submitter. Criteria: Ambry Variant Classification Scheme 2023. Collection method: clinical testing. Allele origin: germline.
Comment: The c.3892delC pathogenic mutation, located in coding exon 29 of the NF1 gene, results from a deletion of one nucleotide at nucleotide position 3892, causing a translational frameshift with a predicted alternate stop codon (p.Q1298Kfs*11). This variant is considered to be rare based on population cohorts in the Genome Aggregation Database (gnomAD). This alteration is expected to result in loss of function by premature protein truncation or nonsense-mediated mRNA decay. As such, this alteration is interpreted as a disease-causing mutation.

Labcorp Genetics (formerly Invitae), Labcorp
Classification: Pathogenic for Neurofibromatosis, type 1. Last evaluated: 2023-08-11. Review status: criteria provided, single submitter. Criteria: Invitae Variant Classification Sherloc (09022015). Collection method: clinical testing. Allele origin: germline.
Comment: ClinVar contains an entry for this variant (Variation ID: 1394733). This variant has not been reported in the literature in individuals affected with NF1-related conditions. This variant is not present in population databases (gnomAD no frequency). This sequence change creates a premature translational stop signal (p.Gln1298Lysfs*11) in the NF1 gene. It is expected to result in an absent or disrupted protein product. Loss-of-function variants in NF1 are known to be pathogenic (PMID: 10712197, 23913538). For these reasons, this variant has been classified as Pathogenic.

Literature cited by the submitters: PubMed 10712197 (cited by Labcorp Genetics (formerly Invitae), Labcorp); PubMed 23913538 (cited by Labcorp Genetics (formerly Invitae), Labcorp).